The following is an entry in ClinVar:

NM_000372.5(TYR):c.2T>C (p.Met1Thr)

Gene: TYR (tyrosinase; plus strand). Cytogenetic location: 11q14.3.
Variant type: single nucleotide variant.
Coding change: c.2T>C on transcript NM_000372.5 (MANE Select); coding-DNA position 2, T replaced by C.
Protein change: p.Met1Thr; changes the start codon (methionine 1).
Molecular consequence: missense variant, initiator codon variant.
Genome position (GRCh38, 1-based): chr11:89,177,955, T>C. VCF-style: chr11-89177955-T-C. GRCh37 (hg19) VCF-style: chr11-88911123-T-C.
Other names: short protein forms M1T.
Identifiers: ClinVar variation 99561 (VCV000099561.12), dbSNP rs281865324, ClinGen allele CA227557.
Genomic context (GRCh38, chr11:89,177,955, plus strand): 5'-GAGAAATCTGTGACTCCAATTAGCCAGTTCCTGCAGACCTTGTGAGGACTAGAGGAAGAA[T>C]GCTCCTGGCTGTTTTGTACTGCCTGCTGTGGAGTTTCCAGACCTCCGCTGGCCATTTCCC-3'
Protein context (NP_000363.1, residues 1-11): [Met1Thr]LLAVLYCLLW

ClinVar aggregate classification (germline): Pathogenic/Likely pathogenic. Review status: criteria provided, multiple submitters, no conflicts (2 of 4 stars). 4 submissions from 4 submitters: Pathogenic (2); Likely pathogenic (1). 1 of the submissions does not count toward it. Last evaluated 2025-10-27.

Conditions:
TYR-related disorder. Also called: TYR-related condition.

Allele frequency attached by ClinVar (database versions not stated): gnomAD exomes below 0.00001; TOPMed below 0.00001; gnomAD 0.00001.

Submissions (4):

GeneDx
Classification: Pathogenic. Last evaluated: 2025-10-27. Review status: criteria provided, single submitter. Criteria: GeneDx Variant Classification Process June 2021. Collection method: clinical testing. Allele origin: germline. Affected: yes.
Comment: Initiation codon variant predicted to critically alter the protein; Not observed at significant frequency in large population cohorts (gnomAD); This variant is associated with the following publications: (PMID: 10671066, 30472657, 29345414, 28378818, 30219046)

Labcorp Genetics (formerly Invitae), Labcorp
Classification: Pathogenic. Last evaluated: 2023-04-06. Review status: criteria provided, single submitter. Criteria: Invitae Variant Classification Sherloc (09022015). Collection method: clinical testing. Allele origin: germline.
Comment: This sequence change affects the initiator methionine of the TYR mRNA. The next in-frame methionine is located at codon 31. This variant is not present in population databases (gnomAD no frequency). Disruption of the initiator codon has been observed in individual(s) with oculocutaneous albinism (PMID: 30472657). ClinVar contains an entry for this variant (Variation ID: 99561). This variant disrupts a region of the TYR protein in which other variant(s) (p.Pro21Ser) have been determined to be pathogenic (PMID: 1642278, 13680365, 19060277, 20861488). This suggests that this is a clinically significant region of the protein, and that variants that disrupt it are likely to be disease-causing. For these reasons, this variant has been classified as Pathogenic.

Blueprint Genetics
Classification: Likely pathogenic for TYR-related disorders. Last evaluated: 2020-05-06. Review status: criteria provided, single submitter. Criteria: ACMG Guidelines, 2015. Collection method: clinical testing. Allele origin: germline. Affected: yes. Observed: 1 variant allele.

Retina International
No classification provided. Review status: no classification provided. Collection method: not provided. Allele origin: unknown. Not counted in ClinVar's aggregate classification.

Literature cited by the submitters: PubMed 30472657 (cited by Labcorp Genetics (formerly Invitae), Labcorp); PubMed 1642278 (cited by Labcorp Genetics (formerly Invitae), Labcorp); PubMed 13680365 (cited by Labcorp Genetics (formerly Invitae), Labcorp); PubMed 19060277 (cited by Labcorp Genetics (formerly Invitae), Labcorp); PubMed 20861488 (cited by Labcorp Genetics (formerly Invitae), Labcorp).